The following is an entry in ClinVar:

NM_000122.2(ERCC3):c.1960G>A (p.Glu654Lys)

Gene: ERCC3 (ERCC excision repair 3, TFIIH core complex helicase subunit; minus strand). Cytogenetic location: 2q14.3.
Variant type: single nucleotide variant.
Coding change: c.1960G>A on transcript NM_000122.2 (MANE Select); coding-DNA position 1960, G replaced by A.
Protein change: p.Glu654Lys; replaces glutamic acid 654 with lysine.
Molecular consequence: missense variant.
Genome position (GRCh38, 1-based): chr2:127,261,332, C>T on the plus strand (G>A on the coding strand, the complement: ERCC3 is on the minus strand). VCF-style: chr2-127261332-C-T. GRCh37 (hg19) VCF-style: chr2-128018908-C-T.
Other names: c.1768G>A, p.Glu590Lys (NM_001303416.2, NM_001303418.2); short protein forms E654K, E590K.
Identifiers: ClinVar variation 134118 (VCV000134118.16), dbSNP rs568193912, ClinGen allele CA158821.
Genomic context (GRCh38, chr2:127,261,332, plus strand): 5'-TTGAGTAAGCCATTTCCTGTGTGTCCTGGGATACCAGTGAGTAGAAAAAGGCATTGTACT[C>T]TTCTGCAACCATCCCTGCAGGAAAAAATGAGAAACGGCAATAAAGAAGACAACATTAGCC-3'
Protein context (NP_000113.1, residues 644-664): LRAKKGMVAE[Glu654Lys]YNAFFYSLVS

ClinVar aggregate classification (germline): Conflicting classifications of pathogenicity. Review status: criteria provided, conflicting classifications (1 of 4 stars). 6 submissions from 6 submitters: Uncertain significance (1); Benign (1); Likely benign (2). 2 of the submissions do not count toward it. Last evaluated 2026-01-19.

Conditions:
ERCC3-related disorder. Also called: ERCC3-related condition.
Inborn genetic diseases. Identifiers: MedGen C0950123, MeSH D030342.
Xeroderma pigmentosum (XP). Identifiers: Orphanet 910, MedGen C0043346, MONDO:0019600.

Allele frequency attached by ClinVar (database versions not stated): gnomAD below 0.00001 and 0.00013; TOPMed 0.00002; gnomAD exomes 0.00027 and 0.00046; ExAC 0.00054; 1000 Genomes Project 30x 0.00109; 1000 Genomes Project 0.00120.

Submissions (6):

Labcorp Genetics (formerly Invitae), Labcorp
Classification: Likely benign. Last evaluated: 2026-01-19. Review status: criteria provided, single submitter. Criteria: Invitae Variant Classification Sherloc (09022015). Collection method: clinical testing. Allele origin: germline.

Ambry Genetics
Classification: Likely benign for Inborn genetic diseases. Last evaluated: 2025-02-03. Review status: criteria provided, single submitter. Criteria: Ambry Variant Classification Scheme 2023. Collection method: clinical testing. Allele origin: germline.

Women's Health and Genetics/Laboratory Corporation of America, LabCorp
Classification: Benign. Last evaluated: 2022-05-26. Review status: criteria provided, single submitter. Criteria: LabCorp Variant Classification Summary - May 2015. Collection method: clinical testing. Allele origin: germline.
Comment: Variant summary: ERCC3 c.1960G>A (p.Glu654Lys) results in a conservative amino acid change located in the Helicase, C-terminal domain (IPR001650) of the encoded protein sequence. Four of five in-silico tools predict a benign effect of the variant on protein function. The variant allele was found at a frequency of 0.00046 in 251470 control chromosomes (gnomAD), predominantly at a frequency of 0.0037 within the South Asian subpopulation in the gnomAD database, including 1 homozygote. The observed variant frequency within South Asian control individuals in the gnomAD database is approximately 33 fold of the estimated maximal expected allele frequency for a pathogenic variant in ERCC3 causing Xeroderma Pigmentosum phenotype (0.00011), strongly suggesting that the variant is a benign polymorphism found primarily in populations of South Asian origin. One ClinVar submitter has assessed the variant since 2014: the variant was classified as likely benign. Based on the evidence outlined above, the variant was classified as benign.

Sema4
Classification: Uncertain significance for Xeroderma pigmentosum. Last evaluated: 2021-11-18. Review status: criteria provided, single submitter. Criteria: Sema4 Curation Guidelines. Collection method: curation. Allele origin: germline.
Comment: The ERCC3 c.1960G>A (p.E654K) variant has not been reported in the literature to our knowledge. It was observed in 112/30616 chromosomes of the South Asian (SAS) subpopulation, with 1 homozygote, in the large and broad cohorts of the Genome Aggregation Database (PMID: 32461654). This variant has been reported in ClinVar (Variation ID 134118). Functional studies have not been performed, and in silico predictions of the variant's effect on protein function are inconclusive. The evidence is insufficient to meet ACMG/AMP criteria for classifying the variant as benign or pathogenic. Thus, the clinical significance of this variant is currently uncertain.

PreventionGenetics, part of Exact Sciences
Classification: Likely benign for ERCC3-related condition. Last evaluated: 2024-02-22. Review status: no assertion criteria provided. Collection method: clinical testing. Allele origin: germline. Not counted in ClinVar's aggregate classification.
Comment: This variant is classified as likely benign based on ACMG/AMP sequence variant interpretation guidelines (Richards et al. 2015 PMID: 25741868, with internal and published modifications).

ITMI
No classification provided. Condition: AllHighlyPenetrant. Last evaluated: 2013-09-19. Review status: no classification provided. Collection method: reference population. Allele origin: germline. Not counted in ClinVar's aggregate classification.
Comment: Please see associated publication for description of ethnicities

Literature cited by the submitters: PubMed 24728327 (cited by ITMI).